The following is an entry in ClinVar:

ClinVar aggregate classification (germline): Pathogenic (1 of 4 stars; one submission).

Submission:

Labcorp Genetics (formerly Invitae), Labcorp
Classification: Pathogenic. Last evaluated: 2023-12-14. Review status: criteria provided, single submitter. Criteria: Invitae Variant Classification Sherloc (09022015). Collection method: clinical testing. Allele origin: germline.
Comment: This sequence change creates a premature translational stop signal (p.Pro17Glyfs*2) in the OTOG gene. It is expected to result in an absent or disrupted protein product. Loss-of-function variants in OTOG are known to be pathogenic (PMID: 23122587). This variant is not present in population databases (gnomAD no frequency). This variant has not been reported in the literature in individuals affected with OTOG-related conditions. For these reasons, this variant has been classified as Pathogenic.

Literature cited by the submitters: PubMed 23122587.

NM_001292063.2(OTOG):c.49_53del (p.Pro17fs)

Gene: OTOG (otogelin; plus strand). Cytogenetic location: 11p15.1.
Variant type: Deletion.
Coding change: c.49_53del on transcript NM_001292063.2 (MANE Select); coding-DNA positions 49 to 53, 5 bases deleted (CCCTG; older notation c.49_53delCCCTG).
Protein change: p.Pro17fs; shifts the reading frame from proline 17.
Molecular consequence: frameshift variant.
Genome position (GRCh38, 1-based): chr11:17,547,421-17,547,425, CCCTG deleted; deleting any 5 consecutive bases within chr11:17,547,418-17,547,425 gives the same sequence; the c. name uses the placement nearest the transcript's 3' end. VCF-style (leftmost placement, unchanged base first): chr11-17547417-GCTGCC-G. GRCh37 (hg19) VCF-style: chr11-17568964-GCTGCC-G.
Other names: c.49_53del, p.Pro17fs (NM_001277269.2); short protein forms P17fs.
Identifiers: ClinVar variation 2703305 (VCV002703305.3), dbSNP rs2497350286, ClinGen allele CA2697548478.